The following is an entry in ClinVar:

ClinVar aggregate classification (germline): Uncertain significance. Review status: criteria provided, multiple submitters, no conflicts (2 of 4 stars). 2 submissions from 2 submitters: Uncertain significance (2). Last evaluated 2026-04-27.

Conditions:
Inborn genetic diseases. Identifiers: MedGen C0950123, MeSH D030342.

gnomAD v4.1: 27 of 1,612,904 alleles (0.0017%); highest among the groups gnomAD compares: Non-Finnish European, 0.0022%; no homozygotes.

Submissions (2):

Women's Health and Genetics/Laboratory Corporation of America, LabCorp
Classification: Uncertain significance. Last evaluated: 2026-04-27. Review status: criteria provided, single submitter. Criteria: LabCorp Variant Classification Summary - May 2015. Collection method: clinical testing. Allele origin: germline.
Comment: Variant summary: SMARCAL1 c.2614T>C (p.Tyr872His) results in a conservative amino acid change in the encoded protein sequence. Algorithms developed to predict the effect of missense changes on protein structure and function are either unavailable or do not agree on the potential impact of this missense change. The variant allele was found at a frequency of 4e-06 in 251356 control chromosomes. The available data on variant occurrences in the general population are insufficient to allow any conclusion about variant significance. c.2614T>C, along with the SMARCAL1 c.488C>T/p.Thr163Ile variant (phase unknown), has been observed in an individual affected with focal segmental glomerulosclerosis and Hodgkins lymphoma (example: Bierzynska_2017). This report does not provide unequivocal conclusions about association of the variant with Schimke Immunoosseous Dysplasia. To our knowledge, no experimental evidence demonstrating an impact on protein function has been reported. The following publication has been ascertained in the context of this evaluation (PMID: 28117080). ClinVar contains an entry for this variant (Variation ID: 3958499). Based on the evidence outlined above, the variant was classified as uncertain significance.

Ambry Genetics
Classification: Uncertain significance for Inborn genetic diseases. Last evaluated: 2025-05-16. Review status: criteria provided, single submitter. Criteria: Ambry Variant Classification Scheme 2023. Collection method: clinical testing. Allele origin: germline.

Literature cited by the submitters: PubMed 28117080 (cited by Women's Health and Genetics/Laboratory Corporation of America, LabCorp).

NM_014140.4(SMARCAL1):c.2614T>C (p.Tyr872His)

Gene: SMARCAL1 (SNF2 related chromatin remodeling annealing helicase 1; plus strand). Cytogenetic location: 2q35.
Variant type: single nucleotide variant.
Coding change: c.2614T>C on transcript NM_014140.4 (MANE Select); coding-DNA position 2614, T replaced by C.
Protein change: p.Tyr872His; replaces tyrosine 872 with histidine.
Molecular consequence: missense variant.
Genome position (GRCh38, 1-based): chr2:216,478,288, T>C. VCF-style: chr2-216478288-T-C. GRCh37 (hg19) VCF-style: chr2-217343011-T-C.
Other names: c.2614T>C, p.Tyr872His (NM_001127207.2); short protein forms Y872H.
Identifiers: ClinVar variation 3958499 (VCV003958499.2).